The following is an entry in ClinVar:

ClinVar aggregate classification (germline): Uncertain significance. Review status: criteria provided, multiple submitters, no conflicts (2 of 4 stars). 2 submissions from 2 submitters: Uncertain significance (2). Last evaluated 2025-01-28.

Conditions:
FGFR2-related craniosynostosis. Identifiers: MedGen CN231480.

Allele frequency attached by ClinVar (database versions not stated): ExAC 0.00002; gnomAD 0.00003; TOPMed 0.00003; ESP Exome Variant Server 0.00008.
gnomAD v4.1: 25 of 1,614,102 alleles (0.0015%); highest among the groups gnomAD compares: South Asian, 0.0044%; no homozygotes.

Submissions (2):

Labcorp Genetics (formerly Invitae), Labcorp
Classification: Uncertain significance for FGFR2-related craniosynostosis. Last evaluated: 2025-01-28. Review status: criteria provided, single submitter. Criteria: Invitae Variant Classification Sherloc (09022015). Collection method: clinical testing. Allele origin: germline.
Comment: This sequence change replaces alanine, which is neutral and non-polar, with threonine, which is neutral and polar, at codon 68 of the FGFR2 protein (p.Ala68Thr). This variant is present in population databases (rs374996878, gnomAD 0.01%). This variant has not been reported in the literature in individuals affected with FGFR2-related conditions. ClinVar contains an entry for this variant (Variation ID: 2682300). An algorithm developed to predict the effect of missense changes on protein structure and function outputs the following: PolyPhen-2: "Benign". The threonine amino acid residue is found in multiple mammalian species, which suggests that this missense change does not adversely affect protein function. In summary, the available evidence is currently insufficient to determine the role of this variant in disease. Therefore, it has been classified as a Variant of Uncertain Significance.

Women's Health and Genetics/Laboratory Corporation of America, LabCorp
Classification: Uncertain significance. Last evaluated: 2023-11-30. Review status: criteria provided, single submitter. Criteria: LabCorp Variant Classification Summary - May 2015. Collection method: clinical testing. Allele origin: germline.
Comment: Variant summary: FGFR2 c.202G>A (p.Ala68Thr) results in a non-conservative amino acid change located in the Immunoglobulin subtype 2 domain (IPR003598) of the encoded protein sequence. Four of five in-silico tools predict a benign effect of the variant on protein function. The variant allele was found at a frequency of 2.4e-05 in 251488 control chromosomes (gnomAD). The available data on variant occurrences in the general population are insufficient to allow any conclusion about variant significance. To our knowledge, no occurrence of c.202G>A in individuals affected with FGFR2-Related Disorders and no experimental evidence demonstrating its impact on protein function have been reported. No submitters have cited clinical-significance assessments for this variant to ClinVar after 2014. Based on the evidence outlined above, the variant was classified as uncertain significance.

NM_000141.5(FGFR2):c.202G>A (p.Ala68Thr)

Gene: FGFR2 (fibroblast growth factor receptor 2; minus strand). Cytogenetic location: 10q26.13.
Variant type: single nucleotide variant.
Coding change: c.202G>A on transcript NM_000141.5 (MANE Select); coding-DNA position 202, G replaced by A.
Protein change: p.Ala68Thr; replaces alanine 68 with threonine.
Molecular consequence: missense variant. On other transcripts: intron variant (9).
Genome position (GRCh38, 1-based): chr10:121,565,612, C>T on the plus strand (G>A on the coding strand, the complement: FGFR2 is on the minus strand). VCF-style: chr10-121565612-C-T. GRCh37 (hg19) VCF-style: chr10-123325126-C-T.
Other names: c.202G>A, p.Ala68Thr (NM_001144913.1, NM_001144914.1, NM_001144917.2 and 3 more transcripts); c.110-14153G>A (NM_001144918.2, NM_001441091.1, NM_001441090.1 and 1 more transcripts); c.110-1033G>A (NM_001441089.1, NM_023029.3, NM_001441088.1 and 2 more transcripts); short protein forms A68T.
Identifiers: ClinVar variation 2682300 (VCV002682300.4), dbSNP rs374996878, ClinGen allele CA5721199.